The following is an entry in ClinVar:

ClinVar aggregate classification (germline): Uncertain significance (1 of 4 stars; one submission).

Conditions:
Inborn genetic diseases. Identifiers: MedGen C0950123, MeSH D030342.

Submission:

Ambry Genetics
Classification: Uncertain significance for Inborn genetic diseases. Last evaluated: 2025-11-28. Review status: criteria provided, single submitter. Criteria: Ambry Variant Classification Scheme 2023. Collection method: clinical testing. Allele origin: germline.
Comment: The p.H265R variant (also known as c.794A>G), located in coding exon 8 of the AKT1 gene, results from an A to G substitution at nucleotide position 794. The histidine at codon 265 is replaced by arginine, an amino acid with highly similar properties. This amino acid position is conserved. In addition, this alteration is predicted to be deleterious by in silico analysis. Based on the available evidence, the clinical significance of this variant remains unclear.

NM_001382430.1(AKT1):c.794A>G (p.His265Arg)

Gene: AKT1 (AKT serine/threonine kinase 1; minus strand). Cytogenetic location: 14q32.33.
Variant type: single nucleotide variant.
Coding change: c.794A>G on transcript NM_001382430.1 (MANE Select); coding-DNA position 794, A replaced by G.
Protein change: p.His265Arg; replaces histidine 265 with arginine.
Molecular consequence: missense variant.
Genome position (GRCh38, 1-based): chr14:104,773,489, T>C on the plus strand (A>G on the coding strand, the complement: AKT1 is on the minus strand). VCF-style: chr14-104773489-T-C. GRCh37 (hg19) VCF-style: chr14-105239826-T-C.
Other names: c.794A>G, p.His265Arg (NM_001014431.2, NM_001014432.2, NM_001382431.1 and 3 more transcripts); short protein forms H265R.
Identifiers: ClinVar variation 4574127 (VCV004574127.1).
Genomic context (GRCh38, chr14:104,773,489, plus strand): 5'-GCCCCCCTGCCTGCCCGCCAGCGCACCTTGAGGTCCCGGTACACCACGTTCTTCTCCGAG[T>C]GCAGGTAGTCCAGGGCTGACACAATCTCAGCGCCATAGAAGCGGGCCCGGTCCTCGGAGA-3'
Protein context (NP_001369359.1, residues 255-275): AEIVSALDYL[His265Arg]SEKNVVYRDL